The following is an entry in ClinVar:

NM_033028.5(BBS4):c.1084G>A (p.Ala362Thr)

Gene: BBS4 (Bardet-Biedl syndrome 4; plus strand). Cytogenetic location: 15q24.1.
Variant type: single nucleotide variant.
Coding change: c.1084G>A on transcript NM_033028.5 (MANE Select); coding-DNA position 1084, G replaced by A.
Protein change: p.Ala362Thr; replaces alanine 362 with threonine.
Molecular consequence: missense variant. On other transcripts: non-coding transcript variant (2).
Genome position (GRCh38, 1-based): chr15:72,735,160, G>A. VCF-style: chr15-72735160-G-A. GRCh37 (hg19) VCF-style: chr15-73027501-G-A.
Other names: c.568G>A, p.Ala190Thr (NM_001252678.2); c.1015G>A, p.Ala339Thr (NM_001320665.2); short protein forms A362T, A190T, A339T.
Identifiers: ClinVar variation 966386 (VCV000966386.12), dbSNP rs969384648, ClinGen allele CA272646184.
Genomic context (GRCh38, chr15:72,735,160, plus strand): 5'-TTCTTTGTTGCAGTGGCTCTGACCAATCTGGAAGATATAGAAAATGCCAAGAGAGCCTAC[G>A]CAGAAGCAGTCCACCTGGATAAGTATGCACTTTGTTGAGAATGGTACTGGCGGGGGTTGG-3'
Protein context (NP_149017.2, residues 352-372): EDIENAKRAY[Ala362Thr]EAVHLDKCNP

ClinVar aggregate classification (germline): Uncertain significance. Review status: criteria provided, multiple submitters, no conflicts (2 of 4 stars). 3 submissions from 3 submitters: Uncertain significance (3). Last evaluated 2026-05-01.

Conditions:
BBS4-related disorder. Also called: BBS4-related condition.
Bardet-Biedl syndrome (BBS). Identifiers: Orphanet 110, MedGen C0752166, MONDO:0015229.
Bardet-Biedl syndrome 4 (BBS4). Identifiers: Orphanet 110, MedGen C2936864, MONDO:0014433, OMIM 615982.

Allele frequency attached by ClinVar (database versions not stated): gnomAD exomes 0.00001; TOPMed 0.00002; gnomAD 0.00003.
gnomAD v4.1: 21 of 1,613,552 alleles (0.0013%); highest among the groups gnomAD compares: African/African-American, 0.004%; no homozygotes.

Submissions (3):

PreventionGenetics, part of Exact Sciences
Classification: Uncertain significance for BBS4-related condition. Last evaluated: 2026-05-01. Review status: criteria provided, single submitter. Criteria: ACMG Guidelines, 2015. Collection method: clinical testing. Allele origin: germline.
Comment: The BBS4 c.1084G>A variant is predicted to result in the amino acid substitution p.Ala362Thr. To our knowledge, this variant has not been reported in the literature. This variant is reported in 0.0096% of alleles in individuals of Ashkenazi Jewish descent in gnomAD. At this time, the clinical significance of this variant is uncertain due to the absence of conclusive functional and genetic evidence.

Labcorp Genetics (formerly Invitae), Labcorp
Classification: Uncertain significance for Bardet-Biedl syndrome. Last evaluated: 2024-10-21. Review status: criteria provided, single submitter. Criteria: Invitae Variant Classification Sherloc (09022015). Collection method: clinical testing. Allele origin: germline.
Comment: This sequence change replaces alanine, which is neutral and non-polar, with threonine, which is neutral and polar, at codon 362 of the BBS4 protein (p.Ala362Thr). This variant is present in population databases (no rsID available, gnomAD 0.008%). This variant has not been reported in the literature in individuals affected with BBS4-related conditions. ClinVar contains an entry for this variant (Variation ID: 966386). Invitae Evidence Modeling of protein sequence and biophysical properties (such as structural, functional, and spatial information, amino acid conservation, physicochemical variation, residue mobility, and thermodynamic stability) indicates that this missense variant is not expected to disrupt BBS4 protein function with a negative predictive value of 80%. In summary, the available evidence is currently insufficient to determine the role of this variant in disease. Therefore, it has been classified as a Variant of Uncertain Significance.

Fulgent Genetics
Classification: Uncertain significance for Bardet-Biedl syndrome 4. Last evaluated: 2021-08-05. Review status: criteria provided, single submitter. Criteria: ACMG Guidelines, 2015. Collection method: clinical testing. Allele origin: unknown.